The following is an entry in ClinVar:

ClinVar aggregate classification (germline): Likely benign (1 of 4 stars; one submission).

Submission:

CeGaT Center for Human Genetics Tuebingen
Classification: Likely benign. Last evaluated: 2025-03-01. Review status: criteria provided, single submitter. Criteria: CeGaT Center For Human Genetics Tuebingen Variant Classification Criteria Version 2. Collection method: clinical testing. Allele origin: germline. Affected: yes. Observed: 2 variant alleles.
Comment: KIR2DL4: BP4, BP7

NM_001080770.2(KIR2DL4):c.738A>G (p.Gly246=)

Gene: KIR2DL4 (killer cell immunoglobulin like receptor, two Ig domains and long cytoplasmic tail 4). Cytogenetic location: 19q13.42.
Variant type: single nucleotide variant.
Coding change: c.738A>G on transcript NM_001080770.2 (MANE Select); coding-DNA position 738, A replaced by G.
Protein change: p.Gly246=; no amino-acid change (glycine 246 retained).
Molecular consequence: synonymous variant. On other transcripts: 3 prime UTR variant (1).
Genome position (GRCh38, 1-based): chr19:54,813,721, A>G. VCF-style: chr19-54813721-A-G. GRCh37 (hg19) VCF-style: chr19-55325176-A-G.
Other names: c.*20A>G (NM_001080772.2).
Identifiers: ClinVar variation 2650480 (VCV002650480.24), dbSNP rs1316493173, ClinGen allele CA883703597.